The following is an entry in ClinVar:

ClinVar aggregate classification (germline): Uncertain significance. Review status: criteria provided, multiple submitters, no conflicts (2 of 4 stars). 5 submissions from 5 submitters: Uncertain significance (5). Last evaluated 2025-11-07.

Conditions:
Hereditary cancer-predisposing syndrome. Also called: Neoplastic Syndromes, Hereditary; Hereditary neoplastic syndrome; Hereditary Cancer Syndrome; Tumor predisposition. Identifiers: Orphanet 140162, MedGen C0027672, MeSH D009386, MONDO:0015356.
Gastrointestinal stromal tumor. Also called: Gastrointestinal stromal tumor, somatic; Gastrointestinal stroma tumor. Identifiers: Orphanet 44890, MedGen C0238198, MeSH D046152, MONDO:0011719, OMIM 606764, HP:0100723.
Pheochromocytoma/paraganglioma syndrome 3. Also called: Paragangliomas 3; SDHC-Related Hereditary Paraganglioma-Pheochromocytoma Syndrome (Paragangliomas 3); SDHC-Related Hereditary Paraganglioma-Pheochromocytoma Syndrome; GLOMUS TUMORS, FAMILIAL, 3. Identifiers: Orphanet 29072, MedGen C1854336, MONDO:0011544, OMIM 605373.
Hereditary pheochromocytoma and paraganglioma. Also called: Hereditary Paraganglioma-Pheochromocytoma Syndromes; Hereditary pheochromocytoma-paraganglioma; Hereditary paragangliomas and pheochromocytomas. Identifiers: Orphanet 29072, MedGen C4274332, MONDO:0017366.

Allele frequency attached by ClinVar (database versions not stated): gnomAD exomes below 0.00001; TOPMed below 0.00001; gnomAD 0.00001.
gnomAD v4.1: 3 of 1,610,688 alleles (0.00019%); highest among the groups gnomAD compares: Non-Finnish European, 0.00025%; no homozygotes.

Submissions (5):

Ambry Genetics
Classification: Uncertain significance for Hereditary cancer-predisposing syndrome. Last evaluated: 2025-11-07. Review status: criteria provided, single submitter. Criteria: Ambry Variant Classification Scheme 2023. Collection method: clinical testing. Allele origin: germline.
Comment: The p.P29A variant (also known as c.85C>G), located in coding exon 3 of the SDHC gene, results from a C to G substitution at nucleotide position 85. The proline at codon 29 is replaced by alanine, an amino acid with highly similar properties. This amino acid position is highly conserved in available vertebrate species. In addition, the in silico prediction for this alteration is inconclusive. Since supporting evidence is limited at this time, the clinical significance of this alteration remains unclear.

Labcorp Genetics (formerly Invitae), Labcorp
Classification: Uncertain significance for Pheochromocytoma/paraganglioma syndrome 3; Gastrointestinal stromal tumor. Last evaluated: 2025-10-09. Review status: criteria provided, single submitter. Criteria: Invitae Variant Classification Sherloc (09022015). Collection method: clinical testing. Allele origin: germline.
Comment: This sequence change replaces proline, which is neutral and non-polar, with alanine, which is neutral and non-polar, at codon 29 of the SDHC protein (p.Pro29Ala). This variant is not present in population databases (gnomAD no frequency). This variant has not been reported in the literature in individuals affected with SDHC-related conditions. ClinVar contains an entry for this variant (Variation ID: 239458). An algorithm developed to predict the effect of missense changes on protein structure and function (PolyPhen-2) suggests that this variant is likely to be tolerated. In summary, the available evidence is currently insufficient to determine the role of this variant in disease. Therefore, it has been classified as a Variant of Uncertain Significance.

Center for Genomic Medicine, Rigshospitalet, Copenhagen University Hospital
Classification: Uncertain significance. Last evaluated: 2025-03-04. Review status: criteria provided, single submitter. Criteria: ACMG Guidelines, 2015. Collection method: clinical testing. Allele origin: germline.

GeneDx
Classification: Uncertain significance. Last evaluated: 2024-05-08. Review status: criteria provided, single submitter. Criteria: GeneDx Variant Classification Process June 2021. Collection method: clinical testing. Allele origin: germline.
Comment: Not observed at significant frequency in large population cohorts (gnomAD); In silico analysis supports that this missense variant has a deleterious effect on protein structure/function; Has not been previously published as pathogenic or benign to our knowledge

All of Us Research Program, National Institutes of Health
Classification: Uncertain significance for Hereditary pheochromocytoma and paraganglioma. Last evaluated: 2023-02-10. Review status: criteria provided, single submitter. Criteria: ACMG Guidelines, 2015. Collection method: clinical testing. Allele origin: germline. Inheritance: Autosomal dominant inheritance. Observed: 1 variant allele, 1 heterozygote.
Comment: This study involves interpretation of variants in research participants for the purpose of population health screening. Participant phenotype was not available at the time of variant classification. Additional details can be found in publication PMID: 35346344, PMCID: PMC8962531

NM_003001.5(SDHC):c.85C>G (p.Pro29Ala)

Gene: SDHC (succinate dehydrogenase complex subunit C; plus strand). Cytogenetic location: 1q23.3.
Variant type: single nucleotide variant.
Coding change: c.85C>G on transcript NM_003001.5 (MANE Select); coding-DNA position 85, C replaced by G.
Protein change: p.Pro29Ala; replaces proline 29 with alanine.
Molecular consequence: missense variant. On other transcripts: 5 prime UTR variant (2), non-coding transcript variant (1), intron variant (4).
Genome position (GRCh38, 1-based): chr1:161,328,403, C>G. VCF-style: chr1-161328403-C-G. GRCh37 (hg19) VCF-style: chr1-161298193-C-G.
Other names: c.85C>G, p.Pro29Ala (NM_001035511.3, NM_001407115.1); c.28C>G, p.Pro10Ala (NM_001407116.1, NM_001407117.1, NM_001407121.1); c.-27C>G (NM_001407119.1, NM_001407120.1); c.77+4733C>G (NM_001035512.3, NM_001278172.3, NM_001407118.1); c.21-12191C>G (NM_001035513.3); short protein forms P29A, P10A.
Identifiers: ClinVar variation 239458 (VCV000239458.18), dbSNP rs878854588, ClinGen allele CA10581736.